The following is an entry in ClinVar:

NM_000182.5(HADHA):c.2225_2228dup (p.Phe744fs)

Genes: GAREM2 (GRB2 associated regulator of MAPK1 subtype 2; plus strand), HADHA (hydroxyacyl-CoA dehydrogenase trifunctional multienzyme complex subunit alpha; minus strand). Cytogenetic location: 2p23.3.
Variant type: Duplication.
Coding change: c.2225_2228dup on transcript NM_000182.5 (MANE Select); coding-DNA positions 2225 to 2228, 4 bases duplicated (AACA; older notation c.2225_2228dupAACA).
Protein change: p.Phe744fs; shifts the reading frame from phenylalanine 744.
Molecular consequence: frameshift variant.
Genome position (GRCh38, 1-based): chr2:26,191,314-26,191,317, TGTT duplicated on the plus strand (AACA on the coding strand, the reverse complement: HADHA is on the minus strand); duplicating any 4 consecutive bases within chr2:26,191,314-26,191,318 gives the same sequence; the c. name uses the placement nearest the transcript's 3' end. VCF-style (leftmost placement, unchanged base first): chr2-26191313-C-CTGTT. GRCh37 (hg19) VCF-style: chr2-26414182-C-CTGTT.
Other names: c.2225_2228dupAACA (NM_000182.4); short protein forms F744fs.
Identifiers: ClinVar variation 495727 (VCV000495727.16), dbSNP rs868816467, ClinGen allele CA44376376.

ClinVar aggregate classification (germline): Pathogenic/Likely pathogenic. Review status: criteria provided, multiple submitters, no conflicts (2 of 4 stars). 4 submissions from 4 submitters: Pathogenic (3); Likely pathogenic (1). Last evaluated 2025-09-15.

Conditions:
Mitochondrial trifunctional protein deficiency. Identifiers: Orphanet 746, MedGen C1969443, MONDO:0012172.
Long chain 3-hydroxyacyl-CoA dehydrogenase deficiency. Also called: LCHAD Deficiency; Deficiency of long-chain 3-hydroxyacyl-coenzyme A dehydrogenase. Identifiers: Orphanet 5, MedGen C3711645, MONDO:0012173, OMIM 609016.

Submissions (4):

Natera, Inc.
Classification: Pathogenic for Deficiency of long-chain 3-hydroxyacyl-coenzyme A dehydrogenase. Last evaluated: 2025-09-15. Review status: criteria provided, single submitter. Criteria: Natera Variant Classification Schema (03/2026). Collection method: clinical testing. Allele origin: germline.
Comment: The c.2225_2228dupAACA variant in HADHA is a frameshift variant predicted to shift the reading frame beginning at codon 744 and leads to a stop codon 10 codons downstream. This variant may result in a truncated or dysfunctional protein product. This variant is rare in the general population with a frequency below the threshold expected for the associated phenotype(s). This variant has been observed in one or more individuals affected with the associated recessive disease, as either homozygous or compound heterozygous with a second variant (PMID: 38623632, 21549624, 12237653). Given the available evidence, this variant is classified as Pathogenic.

Baylor Genetics
Classification: Pathogenic for Long chain 3-hydroxyacyl-CoA dehydrogenase deficiency. Last evaluated: 2024-03-08. Review status: criteria provided, single submitter. Criteria: ACMG Guidelines, 2015. Collection method: clinical testing. Allele origin: unknown.

Labcorp Genetics (formerly Invitae), Labcorp
Classification: Pathogenic for Mitochondrial trifunctional protein deficiency; Long chain 3-hydroxyacyl-CoA dehydrogenase deficiency. Last evaluated: 2024-01-18. Review status: criteria provided, single submitter. Criteria: Invitae Variant Classification Sherloc (09022015). Collection method: clinical testing. Allele origin: germline.
Comment: This sequence change creates a premature translational stop signal (p.Phe744Thrfs*10) in the HADHA gene. While this is not anticipated to result in nonsense mediated decay, it is expected to disrupt the last 20 amino acid(s) of the HADHA protein. This variant is present in population databases (no rsID available, gnomAD 0.008%). This premature translational stop signal has been observed in individual(s) with long-chain 3-hydroxyacyl-CoA dehydrogenase or mitochondrial trifunctional protein deficiency (PMID: 12237653, 21549624). In at least one individual the data is consistent with being in trans (on the opposite chromosome) from a pathogenic variant. This variant is also known as AAAC insert at 2228. ClinVar contains an entry for this variant (Variation ID: 495727). For these reasons, this variant has been classified as Pathogenic.

Women's Health and Genetics/Laboratory Corporation of America, LabCorp
Classification: Likely pathogenic for Mitochondrial trifunctional protein deficiency. Last evaluated: 2022-06-09. Review status: criteria provided, single submitter. Criteria: LabCorp Variant Classification Summary - May 2015. Collection method: clinical testing. Allele origin: germline.
Comment: Variant summary: HADHA c.2225_2228dupAACA (p.Phe744ThrfsX10) results in a premature termination codon, predicted to cause a truncation of the encoded protein or absence of the protein due to nonsense mediated decay, which are commonly known mechanisms for disease. The variant allele was found at a frequency of 4e-06 in 251478 control chromosomes. c.2225_2228dupAACA has been reported in the literature in individuals affected with Mitochondrial Trifunctional Protein Deficiency. These data indicate that the variant may be associated with disease. To our knowledge, no experimental evidence demonstrating an impact on protein function has been reported. Two clinical diagnostic laboratories have submitted clinical-significance assessments for this variant to ClinVar after 2014 without evidence for independent evaluation. Both laboratories classified the variant as likely pathogenic. Based on the evidence outlined above, the variant was classified as likely pathogenic.

Literature cited by the submitters: PubMed 38623632 (cited by Natera, Inc.); PubMed 21549624 (cited by 3 submitters); PubMed 12237653 (cited by 3 submitters).